The following is an entry in ClinVar:

ClinVar aggregate classification (germline): Benign/Likely benign. Review status: criteria provided, multiple submitters, no conflicts (2 of 4 stars). 2 submissions from 2 submitters: Benign (1); Likely benign (1). Last evaluated 2019-12-31.

Conditions:
Long QT syndrome (LQTS). Identifiers: MedGen C0023976, MeSH D008133, MONDO:0002442. Disease mechanism: loss of function. Inheritance: Various modes of inheritance.

Allele frequency attached by ClinVar (database versions not stated): 1000 Genomes Project 30x 0.01156; 1000 Genomes Project 0.01178; gnomAD 0.02990 and 0.03120; TOPMed 0.03007.
gnomAD v4.1: 4,602 of 152,302 alleles (3%); highest among the groups gnomAD compares: Non-Finnish European, 4.6%; 103 homozygotes.

Submissions (2):

Labcorp Genetics (formerly Invitae), Labcorp
Classification: Benign for Long QT syndrome. Last evaluated: 2019-12-31. Review status: criteria provided, single submitter. Criteria: Invitae Variant Classification Sherloc (09022015). Collection method: clinical testing. Allele origin: germline.

GeneDx
Classification: Likely benign. Last evaluated: 2018-06-14. Review status: criteria provided, single submitter. Criteria: GeneDx Variant Classification (06012015). Collection method: clinical testing. Allele origin: germline. Affected: yes.
Comment: This variant is considered likely benign or benign based on one or more of the following criteria: it is a conservative change, it occurs at a poorly conserved position in the protein, it is predicted to be benign by multiple in silico algorithms, and/or has population frequency not consistent with disease.

NM_000719.7(CACNA1C):c.1482-296C>G

Gene: CACNA1C (calcium voltage-gated channel subunit alpha1 C; plus strand). Cytogenetic location: 12p13.33.
Variant type: single nucleotide variant.
Coding change: c.1482-296C>G on transcript NM_000719.7 (MANE Select); 296 bases into the intron before coding-DNA position 1482, C replaced by G.
Molecular consequence: intron variant.
Genome position (GRCh38, 1-based): chr12:2,556,655, C>G. VCF-style: chr12-2556655-C-G. GRCh37 (hg19) VCF-style: chr12-2665821-C-G.
Other names: c.1482-296C>G (NM_001167624.3, NM_001167623.2, NM_001167625.2 and 18 more transcripts); c.1473-296C>G (NM_001129844.2).
Identifiers: ClinVar variation 669606 (VCV000669606.5), dbSNP rs140903845, ClinGen allele CA231607760.
Genomic context (GRCh38, chr12:2,556,655, plus strand): 5'-GGTCCTCTTGTCATCAGGAGAGGCCTTTTCTTTCTCTGCAGCTTGTCTCAAGATACAGCT[C>G]TTCCTAACCTGACCTCATAGAAGTTTCTAGGCAGACCCTGAGGACCTGCTACTCTCCCTC-3'